The following is an entry in ClinVar:

ClinVar aggregate classification (germline): Likely benign (1 of 4 stars; one submission).

gnomAD v4.1: 3 of 1,611,802 alleles (0.00019%); highest among the groups gnomAD compares: Non-Finnish European, 0.00025%; no homozygotes.

Submission:

CeGaT Center for Human Genetics Tuebingen
Classification: Likely benign. Last evaluated: 2022-10-01. Review status: criteria provided, single submitter. Criteria: CeGaT Center For Human Genetics Tuebingen Variant Classification Criteria Version 2. Collection method: clinical testing. Allele origin: germline. Affected: yes. Observed: 1 variant allele.
Comment: HERC5: BP4, BP7

NM_016323.4(HERC5):c.2637G>T (p.Ala879=)

Gene: HERC5 (HECT and RLD domain containing E3 ubiquitin protein ligase 5; plus strand). Cytogenetic location: 4q22.1.
Variant type: single nucleotide variant.
Coding change: c.2637G>T on transcript NM_016323.4 (MANE Select); coding-DNA position 2637, G replaced by T.
Protein change: p.Ala879=; no amino-acid change (alanine 879 retained).
Molecular consequence: synonymous variant.
Genome position (GRCh38, 1-based): chr4:88,504,286, G>T. VCF-style: chr4-88504286-G-T. GRCh37 (hg19) VCF-style: chr4-89425437-G-T.
Identifiers: ClinVar variation 2654940 (VCV002654940.24), dbSNP rs761284663, ClinGen allele CA100914947.